The following is an entry in ClinVar:

NM_003060.4(SLC22A5):c.209_240dup (p.Cys81fs)

Gene: SLC22A5 (solute carrier family 22 member 5; plus strand). Cytogenetic location: 5q31.1.
Variant type: Duplication.
Coding change: c.209_240dup on transcript NM_003060.4 (MANE Select); coding-DNA positions 209 to 240, 32 bases duplicated.
Protein change: p.Cys81fs; shifts the reading frame from cysteine 81.
Molecular consequence: frameshift variant.
Genome position (GRCh38, 1-based): chr5:132,370,181-132,370,212, 32 bases duplicated; duplicating any 32 consecutive bases within chr5:132,370,179-132,370,212 gives the same sequence; the c. name uses the placement nearest the transcript's 3' end. GRCh37 (hg19): chr5:131,705,873-131,705,904.
Other names: c.209_240dup, p.Cys81fs (NM_001308122.2); short protein forms C81fs.
Identifiers: ClinVar variation 2728788 (VCV002728788.3), dbSNP rs2532088875, ClinGen allele CA2697546461.

ClinVar aggregate classification (germline): Pathogenic (1 of 4 stars; one submission).

Conditions:
Renal carnitine transport defect (CDSP). Also called: Primary carnitine deficiency; Systemic primary carnitine deficiency; Systemic primary carnitine deficiency disease; Carnitine transporter deficiency; Carnitine Deficiency, Systemic; CARNITINE DEFICIENCY, SYSTEMIC, DUE TO DEFECT IN RENAL REABSORPTION OF CARNITINE. Identifiers: Orphanet 158, MedGen C0342788, MONDO:0008919, OMIM 212140.

Submission:

Labcorp Genetics (formerly Invitae), Labcorp
Classification: Pathogenic for Renal carnitine transport defect. Last evaluated: 2023-06-25. Review status: criteria provided, single submitter. Criteria: Invitae Variant Classification Sherloc (09022015). Collection method: clinical testing. Allele origin: germline.
Comment: For these reasons, this variant has been classified as Pathogenic. This variant has not been reported in the literature in individuals affected with SLC22A5-related conditions. This variant is not present in population databases (gnomAD no frequency). This sequence change creates a premature translational stop signal (p.Cys81Glyfs*60) in the SLC22A5 gene. It is expected to result in an absent or disrupted protein product. Loss-of-function variants in SLC22A5 are known to be pathogenic (PMID: 9916797).

Literature cited by the submitters: PubMed 9916797.